The following is an entry in ClinVar:

ClinVar aggregate classification (germline): Conflicting classifications of pathogenicity. Review status: criteria provided, conflicting classifications (1 of 4 stars). 5 submissions from 5 submitters: Uncertain significance (1); Likely benign (3). 1 of the submissions does not count toward it. Last evaluated 2026-01-27.

Conditions:
DYNC2H1-related disorder. Also called: DYNC2H1-related disorders; DYNC2H1-related condition. Identifiers: MedGen CN378770.
Jeune thoracic dystrophy. Also called: Jeune syndrome; Infantile thoracic dystrophy; Thoracic pelvic phalangeal dystrophy; Jeune's syndrome; Chondroectodermal dysplasia-like syndrome; Short-rib thoracic dysplasia. Identifiers: Orphanet 474, MedGen C0265275, MONDO:0018770.

Allele frequency attached by ClinVar (database versions not stated): gnomAD exomes 0.00010 and 0.00034; ESP Exome Variant Server 0.00085; ExAC 0.00097; gnomAD 0.00099; TOPMed 0.00135; 1000 Genomes Project 0.00140; 1000 Genomes Project 30x 0.00141.
gnomAD v4.1: 335 of 1,573,650 alleles (0.021%); highest among the groups gnomAD compares: African/African-American, 0.4%; no homozygotes.

Submissions (5):

Labcorp Genetics (formerly Invitae), Labcorp
Classification: Likely benign for Jeune thoracic dystrophy. Last evaluated: 2026-01-27. Review status: criteria provided, single submitter. Criteria: Invitae Variant Classification Sherloc (09022015). Collection method: clinical testing. Allele origin: germline.

Blueprint Genetics
Classification: Likely benign. Last evaluated: 2024-11-25. Review status: criteria provided, single submitter. Criteria: ACMG Guidelines, 2015. Collection method: clinical testing. Allele origin: germline.

GeneDx
Classification: Likely benign. Last evaluated: 2021-12-13. Review status: criteria provided, single submitter. Criteria: GeneDx Variant Classification Process June 2021. Collection method: clinical testing. Allele origin: germline. Affected: yes.

Eurofins Ntd Llc (ga)
Classification: Uncertain significance. Last evaluated: 2016-06-01. Review status: criteria provided, single submitter. Criteria: EGL Classification Definitions 2015. Collection method: clinical testing. Allele origin: germline. Observed: 2 variant alleles, 2 heterozygotes.

PreventionGenetics, part of Exact Sciences
Classification: Likely benign for DYNC2H1-related condition. Last evaluated: 2022-07-25. Review status: no assertion criteria provided. Collection method: clinical testing. Allele origin: germline. Not counted in ClinVar's aggregate classification.
Comment: This variant is classified as likely benign based on ACMG/AMP sequence variant interpretation guidelines (Richards et al. 2015 PMID: 25741868, with internal and published modifications).

NM_001377.3(DYNC2H1):c.3500A>G (p.His1167Arg)

Gene: DYNC2H1 (dynein cytoplasmic 2 heavy chain 1; plus strand). Cytogenetic location: 11q22.3.
Variant type: single nucleotide variant.
Coding change: c.3500A>G on transcript NM_001377.3 (MANE Select); coding-DNA position 3500, A replaced by G.
Protein change: p.His1167Arg; replaces histidine 1167 with arginine.
Molecular consequence: missense variant.
Genome position (GRCh38, 1-based): chr11:103,154,736, A>G. VCF-style: chr11-103154736-A-G. GRCh37 (hg19) VCF-style: chr11-103025465-A-G.
Other names: c.3500A>G, p.His1167Arg (NM_001080463.2); short protein forms H1167R.
Identifiers: ClinVar variation 188353 (VCV000188353.22), dbSNP rs185613200, ClinGen allele CA334700.